The following is an entry in ClinVar:

NM_024409.4(NPPC):c.253T>C (p.Trp85Arg)

Gene: NPPC (natriuretic peptide C; minus strand). Cytogenetic location: 2q37.1.
Variant type: single nucleotide variant.
Coding change: c.253T>C on transcript NM_024409.4 (MANE Select); coding-DNA position 253, T replaced by C.
Protein change: p.Trp85Arg; replaces tryptophan 85 with arginine.
Molecular consequence: missense variant.
Genome position (GRCh38, 1-based): chr2:231,925,553, A>G on the plus strand (T>C on the coding strand, the complement: NPPC is on the minus strand). VCF-style: chr2-231925553-A-G. GRCh37 (hg19) VCF-style: chr2-232790263-A-G.
Other names: short protein forms W85R.
Identifiers: ClinVar variation 3608007 (VCV003608007.2).

ClinVar aggregate classification (germline): Uncertain significance (1 of 4 stars; one submission).

gnomAD v4.1: 10 of 1,612,486 alleles (0.00062%); highest among the groups gnomAD compares: Non-Finnish European, 0.00085%; no homozygotes.

Submission:

Labcorp Genetics (formerly Invitae), Labcorp
Classification: Uncertain significance. Last evaluated: 2024-04-03. Review status: criteria provided, single submitter. Criteria: Invitae Variant Classification Sherloc (09022015). Collection method: clinical testing. Allele origin: germline.
Comment: This sequence change replaces tryptophan, which is neutral and slightly polar, with arginine, which is basic and polar, at codon 85 of the NPPC protein (p.Trp85Arg). This variant is present in population databases (no rsID available, gnomAD 0.0009%). This variant has not been reported in the literature in individuals affected with NPPC-related conditions. An algorithm developed to predict the effect of missense changes on protein structure and function (PolyPhen-2) suggests that this variant is likely to be disruptive. In summary, the available evidence is currently insufficient to determine the role of this variant in disease. Therefore, it has been classified as a Variant of Uncertain Significance.